The following is an entry in ClinVar:

ClinVar aggregate classification (germline): Likely pathogenic (1 of 4 stars; one submission).

Conditions:
Bethlem myopathy 1A. Also called: MYOPATHY, BENIGN CONGENITAL, WITH CONTRACTURES; Bethlem myopathy 1; Bethlem Muscular Dystrophy. Identifiers: Orphanet 610, MedGen CN029274, MONDO:0024530, OMIM 158810.

Submission:

Labcorp Genetics (formerly Invitae), Labcorp
Classification: Likely pathogenic for Bethlem myopathy 1A. Last evaluated: 2023-11-10. Review status: criteria provided, single submitter. Criteria: Invitae Variant Classification Sherloc (09022015). Collection method: clinical testing. Allele origin: germline.
Comment: This sequence change affects a donor splice site in intron 13 of the COL6A2 gene. It is expected to disrupt RNA splicing. Variants that disrupt the donor or acceptor splice site typically lead to a loss of protein function (PMID: 16199547), and loss-of-function variants in COL6A2 are known to be disease-causing for autosomal recessive COL6A2-related conditions (PMID: 21280092, 20976770). However, certain variants affecting donor or acceptor splice sites in the triple helical domain of COL6A2 are expected to result in in-frame exon skipping and have been reported to cause autosomal dominant COL6A2-related conditions (PMID: 18366090). This variant is not present in population databases (gnomAD no frequency). This variant has not been reported in the literature in individuals affected with COL6A2-related conditions. ClinVar contains an entry for this variant (Variation ID: 851914). Algorithms developed to predict the effect of sequence changes on RNA splicing suggest that this variant may disrupt the consensus splice site. In summary, the currently available evidence indicates that the variant is pathogenic, but additional data are needed to prove that conclusively. Therefore, this variant has been classified as Likely Pathogenic.

Literature cited by the submitters: PubMed 16199547; PubMed 21280092; PubMed 20976770; PubMed 18366090.

NM_001849.4(COL6A2):c.1179+1G>A

Gene: COL6A2 (collagen type VI alpha 2 chain; plus strand). Cytogenetic location: 21q22.3.
Variant type: single nucleotide variant.
Coding change: c.1179+1G>A on transcript NM_001849.4 (MANE Select); the canonical splice donor site of the intron after coding-DNA position 1179, G replaced by A.
Molecular consequence: splice donor variant.
Genome position (GRCh38, 1-based): chr21:46,118,677, G>A. VCF-style: chr21-46118677-G-A. GRCh37 (hg19) VCF-style: chr21-47538591-G-A.
Other names: c.1179+1G>A (NM_058175.3, NM_058174.3).
Identifiers: ClinVar variation 851914 (VCV000851914.10), dbSNP rs2078514224, ClinGen allele CA410528410.